The following is an entry in ClinVar:

ClinVar aggregate classification (germline): Likely benign. Review status: criteria provided, multiple submitters, no conflicts (2 of 4 stars). 6 submissions from 6 submitters: Likely benign (5). 1 of the submissions does not count toward it. Last evaluated 2026-01-15.

Conditions:
SLC17A5-related disorder. Also called: SLC17A5-related disorders; SLC17A5-related condition.
Salla disease (SD). Also called: Less Severe FSASD (Salla Disease); Sialuria, Finnish type; N-acetylneuraminic acid (NANA) storage disease (NSD); Infantile sialic acid storage disorder (ISSD). Identifiers: Orphanet 309334, Orphanet 834, MedGen C1096903, MONDO:0011449, OMIM 604369.
Sialic acid storage disease, severe infantile type (ISSD). Also called: N-ACETYLNEURAMINIC ACID STORAGE DISEASE; NANA STORAGE DISEASE; INFANTILE SIALIC ACID STORAGE DISORDER; Infantile Sialic Acid Storage Disease; SIALURIA, INFANTILE FORM; Free sialic acid storage disease, infantile form. Identifiers: Orphanet 309324, Orphanet 834, MedGen C1096902, MONDO:0010027, OMIM 269920.

Submissions (6):

Labcorp Genetics (formerly Invitae), Labcorp
Classification: Likely benign for Salla disease. Last evaluated: 2026-01-15. Review status: criteria provided, single submitter. Criteria: Invitae Variant Classification Sherloc (09022015). Collection method: clinical testing. Allele origin: germline.

Blueprint Genetics
Classification: Likely benign. Last evaluated: 2022-10-12. Review status: criteria provided, single submitter. Criteria: ACMG Guidelines, 2015. Collection method: clinical testing. Allele origin: germline.

CeGaT Center for Human Genetics Tuebingen
Classification: Likely benign. Last evaluated: 2022-07-01. Review status: criteria provided, single submitter. Criteria: CeGaT Center For Human Genetics Tuebingen Variant Classification Criteria Version 2. Collection method: clinical testing. Allele origin: germline. Affected: yes. Observed: 1 variant allele.
Comment: SLC17A5: BP4

Fulgent Genetics
Classification: Likely benign for Sialic acid storage disease, severe infantile type; Salla disease. Last evaluated: 2022-04-25. Review status: criteria provided, single submitter. Criteria: ACMG Guidelines, 2015. Collection method: clinical testing. Allele origin: unknown.

Breakthrough Genomics
Classification: Likely benign. Review status: criteria provided, single submitter. Criteria: ACMG Guidelines, 2015. Collection method: not provided. Allele origin: germline. Inheritance: Autosomal recessive inheritance. Affected: yes.

PreventionGenetics, part of Exact Sciences
Classification: Likely benign for SLC17A5-related condition. Last evaluated: 2020-08-03. Review status: no assertion criteria provided. Collection method: clinical testing. Allele origin: germline. Not counted in ClinVar's aggregate classification.
Comment: This variant is classified as likely benign based on ACMG/AMP sequence variant interpretation guidelines (Richards et al. 2015 PMID: 25741868, with internal and published modifications).

NM_012434.5(SLC17A5):c.1112-8A>C

Gene: SLC17A5 (solute carrier family 17 member 5; minus strand). Cytogenetic location: 6q13.
Variant type: single nucleotide variant.
Coding change: c.1112-8A>C on transcript NM_012434.5 (MANE Select); 8 bases into the intron before coding-DNA position 1112, A replaced by C.
Molecular consequence: intron variant.
Genome position (GRCh38, 1-based): chr6:73,610,555, T>G on the plus strand (A>C on the coding strand, the complement: SLC17A5 is on the minus strand). VCF-style: chr6-73610555-T-G. GRCh37 (hg19) VCF-style: chr6-74320278-T-G.
Identifiers: ClinVar variation 727312 (VCV000727312.38), dbSNP rs1581962639, ClinGen allele CA915944337.